The following is an entry in ClinVar:

ClinVar aggregate classification (germline): Likely benign (0 of 4 stars; one submission).

Conditions:
NCOR1-related disorder. Also called: NCOR1-related condition.

Allele frequency attached by ClinVar (database versions not stated): ESP Exome Variant Server 0.00008; TOPMed 0.00008; ExAC 0.00011; 1000 Genomes Project 0.00020; 1000 Genomes Project 30x 0.00031; gnomAD exomes 0.00004; gnomAD 0.00007.
gnomAD v4.1: 64 of 1,500,772 alleles (0.0043%); highest among the groups gnomAD compares: East Asian, 0.059%; 1 homozygote.

Submission:

PreventionGenetics, part of Exact Sciences
Classification: Likely benign for NCOR1-related condition. Last evaluated: 2019-07-09. Review status: no assertion criteria provided. Collection method: clinical testing. Allele origin: germline.
Comment: This variant is classified as likely benign based on ACMG/AMP sequence variant interpretation guidelines (Richards et al. 2015 PMID: 25741868, with internal and published modifications).

NM_006311.4(NCOR1):c.1352+10A>G

Gene: NCOR1 (nuclear receptor corepressor 1; minus strand). Cytogenetic location: 17p11.2.
Variant type: single nucleotide variant.
Coding change: c.1352+10A>G on transcript NM_006311.4 (MANE Select); 10 bases into the intron after coding-DNA position 1352, A replaced by G.
Molecular consequence: intron variant.
Genome position (GRCh38, 1-based): chr17:16,138,998, T>C on the plus strand (A>G on the coding strand, the complement: NCOR1 is on the minus strand). VCF-style: chr17-16138998-T-C. GRCh37 (hg19) VCF-style: chr17-16042312-T-C.
Other names: c.1352+10A>G (NM_001439115.1, NM_001439111.1, NM_001439116.1 and 2 more transcripts); c.1379+10A>G (NM_001439113.1, NM_001439112.1); c.1025+10A>G (NM_001190438.2).
Identifiers: ClinVar variation 3049594 (VCV003049594.2), dbSNP rs371602300, ClinGen allele CA8409325.